The following is an entry in ClinVar:

ClinVar aggregate classification (germline): Uncertain significance (1 of 4 stars; one submission).

Conditions:
Neurodevelopmental disorder with hypotonia, language delay, and skeletal defects with or without seizures (NEDHLSS). Identifiers: MedGen C5774213, MONDO:0859286, OMIM 620029.

Submission:

3billion
Classification: Uncertain significance for Neurodevelopmental disorder with hypotonia, language delay, and skeletal defects with or without seizures. Last evaluated: 2026-01-27. Review status: criteria provided, single submitter. Criteria: ACMG Guidelines, 2015. Collection method: clinical testing. Allele origin: germline. Affected: yes.
Comment: The variant is not observed in the gnomAD v4.1.0 dataset. Predicted Consequence/Location: Missense variant. Missense changes are a common disease-causing mechanism. In silico tool predictions suggest damaging effect of the variant on gene or gene product [REVEL: 0.98 (>=0.6, sensitivity 0.68 and specificity 0.92)]. Therefore, this variant is classified as VUS according to the recommendation of ACMG/AMP guideline.

NM_000719.7(CACNA1C):c.1967T>G (p.Leu656Arg)

Gene: CACNA1C (calcium voltage-gated channel subunit alpha1 C; plus strand). Cytogenetic location: 12p13.33.
Variant type: single nucleotide variant.
Coding change: c.1967T>G on transcript NM_000719.7 (MANE Select); coding-DNA position 1967, T replaced by G.
Protein change: p.Leu656Arg; replaces leucine 656 with arginine.
Molecular consequence: missense variant.
Genome position (GRCh38, 1-based): chr12:2,581,661, T>G. VCF-style: chr12-2581661-T-G. GRCh37 (hg19) VCF-style: chr12-2690827-T-G.
Other names: c.1967T>G, p.Leu656Arg (NM_001129827.2, NM_001129838.2, NM_001129839.2 and 18 more transcripts); c.1958T>G, p.Leu653Arg (NM_001129844.2); short protein forms L653R, L656R.
Identifiers: ClinVar variation 4854797 (VCV004854797.1).